The following is an entry in ClinVar:

NM_031935.3(HMCN1):c.3842A>G (p.Asn1281Ser)

Gene: HMCN1 (hemicentin 1; plus strand). Cytogenetic location: 1q31.1.
Variant type: single nucleotide variant.
Coding change: c.3842A>G on transcript NM_031935.3 (MANE Select); coding-DNA position 3842, A replaced by G.
Protein change: p.Asn1281Ser; replaces asparagine 1281 with serine.
Molecular consequence: missense variant.
Genome position (GRCh38, 1-based): chr1:185,997,492, A>G. VCF-style: chr1-185997492-A-G. GRCh37 (hg19) VCF-style: chr1-185966624-A-G.
Other names: short protein forms N1281S.
Identifiers: ClinVar variation 2903306 (VCV002903306.3), dbSNP rs1652876990, ClinGen allele CA343873248.

ClinVar aggregate classification (germline): Uncertain significance (1 of 4 stars; one submission).

Allele frequency attached by ClinVar (database versions not stated): gnomAD exomes below 0.00001; TOPMed below 0.00001.
gnomAD v4.1: 1 of 1,612,264 alleles (0.000062%); highest among the groups gnomAD compares: Non-Finnish European, 0.000085%; no homozygotes.

Submission:

Labcorp Genetics (formerly Invitae), Labcorp
Classification: Uncertain significance. Last evaluated: 2022-12-22. Review status: criteria provided, single submitter. Criteria: Invitae Variant Classification Sherloc (09022015). Collection method: clinical testing. Allele origin: germline.
Comment: In summary, the available evidence is currently insufficient to determine the role of this variant in disease. Therefore, it has been classified as a Variant of Uncertain Significance. Algorithms developed to predict the effect of missense changes on protein structure and function output the following: SIFT: "Tolerated"; PolyPhen-2: "Benign"; Align-GVGD: "Class C0". The serine amino acid residue is found in multiple mammalian species, which suggests that this missense change does not adversely affect protein function. This variant has not been reported in the literature in individuals affected with HMCN1-related conditions. This variant is not present in population databases (gnomAD no frequency). This sequence change replaces asparagine, which is neutral and polar, with serine, which is neutral and polar, at codon 1281 of the HMCN1 protein (p.Asn1281Ser).